The following is an entry in ClinVar:

NM_001372574.1(ATXN2):c.42del (p.Gln14fs)

Gene: ATXN2 (ataxin 2; minus strand). Cytogenetic location: 12q24.12.
Variant type: Deletion.
Coding change: c.42del on transcript NM_001372574.1 (MANE Select); coding-DNA position 42, one base deleted (G; older notation c.42delG).
Protein change: p.Gln14fs; shifts the reading frame from glutamine 14.
Molecular consequence: frameshift variant. On other transcripts: non-coding transcript variant (1), intron variant (2).
Genome position (GRCh38, 1-based): chr12:111,598,993, C deleted on the plus strand (G on the coding strand, the reverse complement: ATXN2 is on the minus strand). VCF-style (leftmost placement, unchanged base first): chr12-111598992-GC-G. GRCh37 (hg19) VCF-style: chr12-112036796-GC-G.
Other names: c.42del, p.Gln14fs (NM_002973.4); c.-28+582del (NM_001310123.1); c.-65+582del (NM_001310121.1); short protein forms Q14fs.
Identifiers: ClinVar variation 3055440 (VCV003055440.4), dbSNP rs780952627, ClinGen allele CA6790994.
Genomic context (GRCh38, chr12:111,598,992, plus strand): 5'-TGGCAGCCGCGGGCGGCGGCTGCTGCTGCTGCTGCTGCTGCTGCTGTTGCTGCTGCTGCT[GC>G]TGCTGCTGCTGCTGCTGCTGCTGCTGGGGCTTCAGCGACATGGTGAGGGGCCCATACACC-3'

ClinVar aggregate classification (germline): Likely benign (0 of 4 stars; one submission).

Conditions:
ATXN2-related disorder. Also called: ATXN2-related condition.
Parkinson disease, late-onset (PD). Also called: PARKINSON DISEASE, LATE-ONSET, SUSCEPTIBILITY TO; Susceptibility to Parkinson's Disease; Hereditary late onset Parkinson disease. Identifiers: Orphanet 411602, MedGen C3160718, MONDO:0008199, OMIM 168600.

Allele frequency attached by ClinVar (database versions not stated): gnomAD 0.00162; gnomAD exomes 0.00274; ExAC 0.01449; ESP Exome Variant Server 0.03389.

Submission:

PreventionGenetics, part of Exact Sciences
Classification: Likely benign for ATXN2-related condition. Last evaluated: 2020-06-05. Review status: no assertion criteria provided. Collection method: clinical testing. Allele origin: germline.
Comment: This variant is classified as likely benign based on ACMG/AMP sequence variant interpretation guidelines (Richards et al. 2015 PMID: 25741868, with internal and published modifications).